The following is an entry in ClinVar:

ClinVar aggregate classification (germline): Conflicting classifications of pathogenicity. Review status: criteria provided, conflicting classifications (1 of 4 stars). 2 submissions from 2 submitters: Uncertain significance (1); Likely benign (1). Last evaluated 2023-01-13.

Allele frequency attached by ClinVar (database versions not stated): gnomAD exomes 0.00001; TOPMed 0.00002; ExAC 0.00003.
gnomAD v4.1: 14 of 1,606,662 alleles (0.00087%); highest among the groups gnomAD compares: East Asian, 0.0089%; no homozygotes.

Submissions (2):

Blueprint Genetics
Classification: Likely benign. Last evaluated: 2023-01-13. Review status: criteria provided, single submitter. Criteria: ACMG Guidelines, 2015. Collection method: clinical testing. Allele origin: germline.

ARUP Laboratories, Molecular Genetics and Genomics, ARUP Laboratories
Classification: Uncertain significance. Last evaluated: 2019-01-11. Review status: criteria provided, single submitter. Criteria: ARUP Molecular Germline Variant Investigation Process. Collection method: clinical testing. Allele origin: germline.
Comment: The TTN c.36049G>A; p.Glu12017Lys variant (rs777140466) is rare in the general population (<1% allele frequency in the Genome Aggregation Database) and has not been reported in the medical literature in association with dilated cardiomyopathy (DCM) or other TTN-related disease. The clinical relevance of rare missense variants in this gene, which are identified on average once per individual sequenced in affected populations (Herman 2012), is not well understood. Yet, evidence suggests that the vast majority of such missense variants do not contribute to the clinical outcome of DCM (Begay 2015). Thus, the clinical significance of the p.Glu12017Lys variant cannot be determined with certainty.

NM_001267550.2(TTN):c.36049G>A (p.Glu12017Lys)

Gene: TTN (titin; minus strand). Cytogenetic location: 2q31.2.
Variant type: single nucleotide variant.
Coding change: c.36049G>A on transcript NM_001267550.2 (MANE Select); coding-DNA position 36049, G replaced by A.
Protein change: p.Glu12017Lys; replaces glutamic acid 12017 with lysine.
Molecular consequence: missense variant. On other transcripts: intron variant (5).
Genome position (GRCh38, 1-based): chr2:178,664,921, C>T on the plus strand (G>A on the coding strand, the complement: TTN is on the minus strand). VCF-style: chr2-178664921-C-T. GRCh37 (hg19) VCF-style: chr2-179529648-C-T.
Other names: c.13283-22604G>A (NM_003319.4); c.13859-22604G>A (NM_133437.4); c.13658-22604G>A (NM_133432.3); c.31484-1866G>A (NM_133378.4); c.34265-1866G>A (NM_001256850.1); short protein forms E12017K.
Identifiers: ClinVar variation 811872 (VCV000811872.9), dbSNP rs777140466, ClinGen allele CA1997669.